The following is an entry in ClinVar:

ClinVar aggregate classification (germline): Uncertain significance (1 of 4 stars; one submission).

Submission:

GeneDx
Classification: Uncertain significance. Last evaluated: 2023-04-28. Review status: criteria provided, single submitter. Criteria: GeneDx Variant Classification Process June 2021. Collection method: clinical testing. Allele origin: germline. Affected: yes.
Comment: Not observed at significant frequency in large population cohorts (gnomAD); In silico analysis supports that this missense variant has a deleterious effect on protein structure/function; Has not been previously published as pathogenic or benign to our knowledge

NM_001042681.2(RERE):c.859C>A (p.Arg287Ser)

Gene: RERE (arginine-glutamic acid dipeptide repeats; minus strand). Cytogenetic location: 1p36.23.
Variant type: single nucleotide variant.
Coding change: c.859C>A on transcript NM_001042681.2 (MANE Select); coding-DNA position 859, C replaced by A.
Protein change: p.Arg287Ser; replaces arginine 287 with serine.
Molecular consequence: missense variant.
Genome position (GRCh38, 1-based): chr1:8,508,647, G>T on the plus strand (C>A on the coding strand, the complement: RERE is on the minus strand). VCF-style: chr1-8508647-G-T. GRCh37 (hg19) VCF-style: chr1-8568706-G-T.
Other names: c.859C>A, p.Arg287Ser (NM_012102.4); short protein forms R287S.
Identifiers: ClinVar variation 2662755 (VCV002662755.1), dbSNP rs1447924337, ClinGen allele CA338224791.
Genomic context (GRCh38, chr1:8,508,647, plus strand): 5'-AACAAAAACCTATTAAGGAAGCTATGAAAATGAACTTCACCTGATGACTAGGACCGACAC[G>T]AATCTCCCCCTGGGTACTGTTCAGCCTCCTGGAACAGAAATAGAGCAGATTAAGTTAGCG-3'
Protein context (NP_001036146.1, residues 277-297): RRLNSTQGEI[Arg287Ser]VGPSHQAKLP